The following is an entry in ClinVar:

ClinVar aggregate classification (germline): Uncertain significance. Review status: criteria provided, single submitter (1 of 4 stars). 2 submissions from 2 submitters: Uncertain significance (1). 1 of the submissions does not count toward it. Last evaluated 2024-03-11.

Conditions:
Familial long QT syndrome (RWS). Also called: Congenital long QT syndrome; Romano-Ward syndrome; VENTRICULAR FIBRILLATION WITH PROLONGED QT INTERVAL. Identifiers: Orphanet 768, MedGen C1141890, MONDO:0019171.
Long QT syndrome (LQTS). Identifiers: MedGen C0023976, MeSH D008133, MONDO:0002442. Disease mechanism: loss of function. Inheritance: Various modes of inheritance.

Allele frequency attached by ClinVar (database versions not stated): gnomAD exomes below 0.00001.
gnomAD v4.1: 2 of 1,572,258 alleles (0.00013%); highest among the groups gnomAD compares: Non-Finnish European, 0.00017%; no homozygotes.

Submissions (2):

Labcorp Genetics (formerly Invitae), Labcorp
Classification: Uncertain significance for Long QT syndrome. Last evaluated: 2024-03-11. Review status: criteria provided, single submitter. Criteria: Invitae Variant Classification Sherloc (09022015). Collection method: clinical testing. Allele origin: germline.
Comment: This sequence change replaces glutamic acid, which is acidic and polar, with lysine, which is basic and polar, at codon 543 of the KCNQ1 protein (p.Glu543Lys). This variant is not present in population databases (gnomAD no frequency). This missense change has been observed in individual(s) with clinical features of KNCQ1-related conditions (PMID: 19716085). ClinVar contains an entry for this variant (Variation ID: 67044). Advanced modeling of protein sequence and biophysical properties (such as structural, functional, and spatial information, amino acid conservation, physicochemical variation, residue mobility, and thermodynamic stability) performed at Invitae indicates that this missense variant is expected to disrupt KCNQ1 protein function with a positive predictive value of 95%. In summary, the available evidence is currently insufficient to determine the role of this variant in disease. Therefore, it has been classified as a Variant of Uncertain Significance.

Cardiovascular Biomedical Research Unit, Royal Brompton & Harefield NHS Foundation Trust
No classification provided. Condition: Familial long QT syndrome. Review status: no classification provided. Collection method: literature only. Allele origin: germline. Not counted in ClinVar's aggregate classification.
Comment: This variant has been reported as associated with Long QT syndrome in the following publications (PMID:19716085). This is a literature report, and does not necessarily reflect the clinical interpretation of the Imperial College / Royal Brompton Cardiovascular Genetics laboratory.

Literature cited by the submitters: PubMed 19716085 (cited by Labcorp Genetics (formerly Invitae), Labcorp and Cardiovascular Biomedical Research Unit, Royal Brompton & Harefield NHS Foundation Trust); PubMed 22581653 (cited by Cardiovascular Biomedical Research Unit, Royal Brompton & Harefield NHS Foundation Trust).

NM_000218.3(KCNQ1):c.1627G>A (p.Glu543Lys)

Gene: KCNQ1 (potassium voltage-gated channel subfamily Q member 1; plus strand). Cytogenetic location: 11p15.5.
Variant type: single nucleotide variant.
Coding change: c.1627G>A on transcript NM_000218.3 (MANE Select); coding-DNA position 1627, G replaced by A.
Protein change: p.Glu543Lys; replaces glutamic acid 543 with lysine.
Molecular consequence: missense variant.
Genome position (GRCh38, 1-based): chr11:2,775,996, G>A. VCF-style: chr11-2775996-G-A. GRCh37 (hg19) VCF-style: chr11-2797226-G-A.
Other names: c.1627G>A (LRG_287t1); c.1531G>A, p.Glu511Lys (NM_001406836.1); c.1357G>A, p.Glu453Lys (NM_001406837.1); c.1087G>A, p.Glu363Lys (NM_001406838.1); c.1246G>A, p.Glu416Lys (NM_181798.2); short protein forms E543K, E416K, E363K, E453K, E511K.
Identifiers: ClinVar variation 67044 (VCV000067044.5), dbSNP rs199472797, ClinGen allele CA006009.